The following is an entry in ClinVar:

ClinVar aggregate classification (germline): Uncertain significance (1 of 4 stars; one submission).

gnomAD v4.1: 10 of 1,514,936 alleles (0.00066%); highest among the groups gnomAD compares: Non-Finnish European, 0.00071%; no homozygotes.

Submission:

Labcorp Genetics (formerly Invitae), Labcorp
Classification: Uncertain significance. Last evaluated: 2024-08-18. Review status: criteria provided, single submitter. Criteria: Invitae Variant Classification Sherloc (09022015). Collection method: clinical testing. Allele origin: germline.
Comment: This sequence change replaces arginine, which is basic and polar, with histidine, which is basic and polar, at codon 1155 of the DCHS1 protein (p.Arg1155His). This variant is not present in population databases (gnomAD no frequency). This variant has not been reported in the literature in individuals affected with DCHS1-related conditions. Invitae Evidence Modeling of protein sequence and biophysical properties (such as structural, functional, and spatial information, amino acid conservation, physicochemical variation, residue mobility, and thermodynamic stability) indicates that this missense variant is expected to disrupt DCHS1 protein function with a positive predictive value of 80%. In summary, the available evidence is currently insufficient to determine the role of this variant in disease. Therefore, it has been classified as a Variant of Uncertain Significance.

NM_003737.4(DCHS1):c.3464G>A (p.Arg1155His)

Gene: DCHS1 (dachsous cadherin-related 1; minus strand). Cytogenetic location: 11p15.4.
Variant type: single nucleotide variant.
Coding change: c.3464G>A on transcript NM_003737.4 (MANE Select); coding-DNA position 3464, G replaced by A.
Protein change: p.Arg1155His; replaces arginine 1155 with histidine.
Molecular consequence: missense variant.
Genome position (GRCh38, 1-based): chr11:6,632,048, C>T on the plus strand (G>A on the coding strand, the complement: DCHS1 is on the minus strand). VCF-style: chr11-6632048-C-T. GRCh37 (hg19) VCF-style: chr11-6653279-C-T.
Other names: short protein forms R1155H.
Identifiers: ClinVar variation 3608467 (VCV003608467.2).
Genomic context (GRCh38, chr11:6,632,048, plus strand): 5'-GGATAAGGCTATGCGGTCTCAGGATTTGGGTCTCTGTGCTCACCAGTCTGGGGGTGGATG[C>T]GGAAGGCCTTGCTGTCTTCAGACAGCTGTTGCAGGCTGTAGGTCAGACGTCCATTGGGTC-3'
Protein context (NP_003728.1, residues 1145-1165): QQLSEDSKAF[Arg1155His]IHPQTGEVTT